The following is an entry in ClinVar:

ClinVar aggregate classification (germline): Uncertain significance. Review status: criteria provided, multiple submitters, no conflicts (2 of 4 stars). 2 submissions from 2 submitters: Uncertain significance (2). Last evaluated 2025-07-02.

Conditions:
Hereditary cancer-predisposing syndrome. Also called: Neoplastic Syndromes, Hereditary; Hereditary neoplastic syndrome; Tumor predisposition; Hereditary Cancer Syndrome. Identifiers: Orphanet 140162, MedGen C0027672, MeSH D009386, MONDO:0015356.
DICER1-related tumor predisposition. Also called: DICER1-related pleuropulmonary blastoma cancer predisposition syndrome; DICER1 syndrome. Identifiers: Orphanet 284343, MedGen C3839822, MONDO:0100216.

Submissions (2):

Ambry Genetics
Classification: Uncertain significance for Hereditary cancer-predisposing syndrome. Last evaluated: 2025-07-02. Review status: criteria provided, single submitter. Criteria: Ambry Variant Classification Scheme 2023. Collection method: clinical testing. Allele origin: germline.
Comment: The p.D1500V variant (also known as c.4499A>T), located in coding exon 22 of the DICER1 gene, results from an A to T substitution at nucleotide position 4499. The aspartic acid at codon 1500 is replaced by valine, an amino acid with highly dissimilar properties. This amino acid position is well conserved in available vertebrate species. In addition, the in silico prediction for this alteration is inconclusive. Based on the available evidence, the clinical significance of this variant remains unclear.

Labcorp Genetics (formerly Invitae), Labcorp
Classification: Uncertain significance for DICER1-related tumor predisposition. Last evaluated: 2024-09-30. Review status: criteria provided, single submitter. Criteria: Invitae Variant Classification Sherloc (09022015). Collection method: clinical testing. Allele origin: germline.
Comment: This sequence change replaces aspartic acid, which is acidic and polar, with valine, which is neutral and non-polar, at codon 1500 of the DICER1 protein (p.Asp1500Val). This variant is not present in population databases (gnomAD no frequency). This variant has not been reported in the literature in individuals affected with DICER1-related conditions. ClinVar contains an entry for this variant (Variation ID: 838247). An algorithm developed to predict the effect of missense changes on protein structure and function (PolyPhen-2) suggests that this variant is likely to be disruptive. In summary, the available evidence is currently insufficient to determine the role of this variant in disease. Therefore, it has been classified as a Variant of Uncertain Significance.

NM_177438.3(DICER1):c.4499A>T (p.Asp1500Val)

Gene: DICER1 (dicer 1, ribonuclease III; minus strand). Cytogenetic location: 14q32.13.
Variant type: single nucleotide variant.
Coding change: c.4499A>T on transcript NM_177438.3 (MANE Select); coding-DNA position 4499, A replaced by T.
Protein change: p.Asp1500Val; replaces aspartic acid 1500 with valine.
Molecular consequence: missense variant.
Genome position (GRCh38, 1-based): chr14:95,096,421, T>A on the plus strand (A>T on the coding strand, the complement: DICER1 is on the minus strand). VCF-style: chr14-95096421-T-A. GRCh37 (hg19) VCF-style: chr14-95562758-T-A.
Other names: c.4499A>T, p.Asp1500Val (NM_001195573.1, NM_001271282.3, NM_001291628.2 and 1 more transcripts); short protein forms D1500V.
Identifiers: ClinVar variation 838247 (VCV000838247.14), dbSNP rs1890341943, ClinGen allele CA390868083.